The following is an entry in ClinVar:

ClinVar aggregate classification (germline): Uncertain significance (1 of 4 stars; one submission).

Conditions:
Renal coloboma syndrome (PAPRS). Also called: COLOBOMA OF OPTIC NERVE WITH RENAL DISEASE; OPTIC COLOBOMA, VESICOURETERAL REFLUX, AND RENAL ANOMALIES; OPTIC NERVE COLOBOMA WITH RENAL DISEASE; RENAL-COLOBOMA SYNDROME WITH MACULAR ABNORMALITIES; PAPILLORENAL SYNDROME; PAPILLORENAL SYNDROME WITH MILD OCULAR ABNORMALITIES. Identifiers: Orphanet 1475, MedGen C1852759, MONDO:0007352, OMIM 120330.
Focal segmental glomerulosclerosis 7 (FSGS7). Identifiers: Orphanet 656, MedGen C4014925, MONDO:0014451, OMIM 616002.

Submission:

Labcorp Genetics (formerly Invitae), Labcorp
Classification: Uncertain significance for Renal coloboma syndrome; Focal segmental glomerulosclerosis 7. Last evaluated: 2023-05-20. Review status: criteria provided, single submitter. Criteria: Invitae Variant Classification Sherloc (09022015). Collection method: clinical testing. Allele origin: germline.
Comment: This variant has not been reported in the literature in individuals affected with PAX2-related conditions. This sequence change falls in intron 2 of the PAX2 gene. It does not directly change the encoded amino acid sequence of the PAX2 protein. It affects a nucleotide within the consensus splice site. This variant is not present in population databases (gnomAD no frequency). Variants that disrupt the consensus splice site are a relatively common cause of aberrant splicing (PMID: 17576681, 9536098). Algorithms developed to predict the effect of sequence changes on RNA splicing suggest that this variant may disrupt the consensus splice site. In summary, the available evidence is currently insufficient to determine the role of this variant in disease. Therefore, it has been classified as a Variant of Uncertain Significance.

Literature cited by the submitters: PubMed 17576681; PubMed 9536098.

NM_000278.5(PAX2):c.212+5G>A

Gene: PAX2 (paired box 2; plus strand). Cytogenetic location: 10q24.31.
Variant type: single nucleotide variant.
Coding change: c.212+5G>A on transcript NM_000278.5 (MANE Select); 5 bases into the intron after coding-DNA position 212, G replaced by A.
Molecular consequence: intron variant.
Genome position (GRCh38, 1-based): chr10:100,749,919, G>A. VCF-style: chr10-100749919-G-A. GRCh37 (hg19) VCF-style: chr10-102509676-G-A.
Other names: c.305+5G>A (NM_001304569.2); c.212+5G>A (NM_003987.5, NM_003990.5, NM_003988.5 and 1 more transcripts).
Identifiers: ClinVar variation 2948019 (VCV002948019.3), dbSNP rs2492893829, ClinGen allele CA2740093507.